The following is an entry in ClinVar:

NM_000051.4(ATM):c.6330C>G (p.Asp2110Glu)

Genes: ATM (ATM serine/threonine kinase; plus strand), C11orf65 (chromosome 11 open reading frame 65; minus strand). Cytogenetic location: 11q22.3.
Variant type: single nucleotide variant.
Coding change: c.6330C>G on transcript NM_000051.4 (MANE Select); coding-DNA position 6330, C replaced by G.
Protein change: p.Asp2110Glu; replaces aspartic acid 2110 with glutamic acid.
Molecular consequence: missense variant. On other transcripts: intron variant (2).
Genome position (GRCh38, 1-based): chr11:108,317,504, C>G. VCF-style: chr11-108317504-C-G. GRCh37 (hg19) VCF-style: chr11-108188231-C-G.
Other names: c.6330C>G, p.Asp2110Glu (NM_001351834.2); c.641-8433G>C (NM_001330368.2); c.*39-8433G>C (NM_001351110.2); short protein forms D2110E.
Identifiers: ClinVar variation 482630 (VCV000482630.13), dbSNP rs759029705, ClinGen allele CA6265904.

ClinVar aggregate classification (germline): Conflicting classifications of pathogenicity. Review status: criteria provided, conflicting classifications (1 of 4 stars). 3 submissions from 3 submitters: Uncertain significance (2); Likely benign (1). Last evaluated 2026-04-27.

Conditions:
Hereditary cancer-predisposing syndrome. Also called: Neoplastic Syndromes, Hereditary; Hereditary Cancer Syndrome; Tumor predisposition; Hereditary neoplastic syndrome. Identifiers: Orphanet 140162, MedGen C0027672, MeSH D009386, MONDO:0015356.
Ataxia-telangiectasia syndrome (AT). Also called: LOUIS-BAR SYNDROME; Cerebello-oculocutaneous telangiectasia; Immunodeficiency with ataxia telangiectasia; Ataxia-telangiectasia, complementation group D; AT, COMPLEMENTATION GROUP C; Ataxia-telangiectasia, complementation group E. Identifiers: Orphanet 100, MedGen C0004135, MONDO:0008840, OMIM 208900.

Allele frequency attached by ClinVar (database versions not stated): TOPMed below 0.00001.
gnomAD v4.1: 1 of 1,609,582 alleles (0.000062%); highest among the groups gnomAD compares: South Asian, 0.0011%; no homozygotes.

Submissions (3):

Women's Health and Genetics/Laboratory Corporation of America, LabCorp
Classification: Uncertain significance. Last evaluated: 2026-04-27. Review status: criteria provided, single submitter. Criteria: LabCorp Variant Classification Summary - May 2015. Collection method: clinical testing. Allele origin: germline.
Comment: Variant summary: ATM c.6330C>G (p.Asp2110Glu) results in a conservative amino acid change in the encoded protein sequence. Algorithms developed to predict the effect of missense changes on protein structure and function are either unavailable or do not agree on the potential impact of this missense change. The variant allele was found at a frequency of 4e-06 in 250618 control chromosomes- (gnomAD). The available data on variant occurrences in the general population are insufficient to allow any conclusion about variant significance. c.6330C>G has been observed in an individual who underwent genetic testing for hereditary breast and ovarian cancer (Krivokuca_2022). This report does not provide unequivocal conclusions about association of the variant with Breast Cancer. To our knowledge, no experimental evidence demonstrating an impact on protein function has been reported. The following publication has been ascertained in the context of this evaluation (PMID: 34284872). ClinVar contains an entry for this variant (Variation ID: 482630). Based on the evidence outlined above, the variant was classified as uncertain significance.

Labcorp Genetics (formerly Invitae), Labcorp
Classification: Uncertain significance for Ataxia-telangiectasia syndrome. Last evaluated: 2025-10-30. Review status: criteria provided, single submitter. Criteria: Invitae Variant Classification Sherloc (09022015). Collection method: clinical testing. Allele origin: germline.
Comment: This sequence change replaces aspartic acid, which is acidic and polar, with glutamic acid, which is acidic and polar, at codon 2110 of the ATM protein (p.Asp2110Glu). This variant is present in population databases (rs759029705, gnomAD 0.003%). This missense change has been observed in individual(s) with genetic testing for hereditary breast and ovarian cancer (PMID: 34284872). ClinVar contains an entry for this variant (Variation ID: 482630). Invitae Evidence Modeling of protein sequence and biophysical properties (such as structural, functional, and spatial information, amino acid conservation, physicochemical variation, residue mobility, and thermodynamic stability) indicates that this missense variant is not expected to disrupt ATM protein function with a negative predictive value of 95%. In summary, the available evidence is currently insufficient to determine the role of this variant in disease. Therefore, it has been classified as a Variant of Uncertain Significance.

Ambry Genetics
Classification: Likely benign for Hereditary cancer-predisposing syndrome. Last evaluated: 2023-11-14. Review status: criteria provided, single submitter. Criteria: Ambry Variant Classification Scheme 2023. Collection method: clinical testing. Allele origin: germline.

Literature cited by the submitters: PubMed 34284872 (cited by Women's Health and Genetics/Laboratory Corporation of America, LabCorp and Labcorp Genetics (formerly Invitae), Labcorp).